The following is an entry in ClinVar:

NM_000038.6(APC):c.8531A>G (p.Ter2844=)

Gene: APC (APC regulator of Wnt signaling pathway; plus strand). Cytogenetic location: 5q22.2.
Variant type: single nucleotide variant.
Coding change: c.8531A>G on transcript NM_000038.6 (MANE Select); coding-DNA position 8531, A replaced by G.
Protein change: p.Ter2844=.
Molecular consequence: synonymous variant.
Genome position (GRCh38, 1-based): chr5:112,844,125, A>G. VCF-style: chr5-112844125-A-G. GRCh37 (hg19) VCF-style: chr5-112179822-A-G.
Other names: c.8531A>G, p.Ter2844= (NM_001127510.3, NM_001354895.2); c.8477A>G, p.Ter2826= (NM_001127511.3); c.8585A>G, p.Ter2862= (NM_001354896.2); c.8561A>G, p.Ter2854= (NM_001354897.2); c.8456A>G, p.Ter2819= (NM_001354898.2); c.8447A>G, p.Ter2816= (NM_001354899.2); c.8408A>G, p.Ter2803= (NM_001354900.2); c.8354A>G, p.Ter2785= (NM_001354901.2); and 5 more.
Identifiers: ClinVar variation 627912 (VCV000627912.7), dbSNP rs1021733635, ClinGen allele CA125167827.

ClinVar aggregate classification (germline): Benign/Likely benign. Review status: criteria provided, multiple submitters, no conflicts (2 of 4 stars). 4 submissions from 4 submitters: Benign (1); Likely benign (3). Last evaluated 2024-04-16.

Conditions:
Hereditary cancer-predisposing syndrome. Also called: Neoplastic Syndromes, Hereditary; Tumor predisposition; Hereditary neoplastic syndrome; Hereditary Cancer Syndrome. Identifiers: Orphanet 140162, MedGen C0027672, MeSH D009386, MONDO:0015356.
Familial adenomatous polyposis 1 (FAP1). Also called: POLYPOSIS, ADENOMATOUS INTESTINAL; FAMILIAL ADENOMATOUS POLYPOSIS 1, ATTENUATED. Identifiers: MedGen C2713442, MONDO:0021056, OMIM 175100. Disease mechanism: loss of function.

Allele frequency attached by ClinVar (database versions not stated): TOPMed below 0.00001; gnomAD 0.00001.
gnomAD v4.1: 1 of 1,608,570 alleles (0.000062%); highest among the groups gnomAD compares: African/African-American, 0.0013%; no homozygotes.

Submissions (4):

Myriad Genetics, Inc.
Classification: Benign for Familial adenomatous polyposis 1. Last evaluated: 2024-04-16. Review status: criteria provided, single submitter. Criteria: Myriad Autosomal Dominant, Autosomal Recessive and X-Linked Classification Criteria (2023). Collection method: clinical testing. Allele origin: unknown.
Comment: This variant is considered benign. This variant is a silent/synonymous amino acid change and it is not expected to impact splicing.

Labcorp Genetics (formerly Invitae), Labcorp
Classification: Likely benign for Familial adenomatous polyposis 1. Last evaluated: 2024-03-28. Review status: criteria provided, single submitter. Criteria: Invitae Variant Classification Sherloc (09022015). Collection method: clinical testing. Allele origin: germline.

Ambry Genetics
Classification: Likely benign for Hereditary cancer-predisposing syndrome. Last evaluated: 2020-12-29. Review status: criteria provided, single submitter. Criteria: Ambry Variant Classification Scheme 2023. Collection method: clinical testing. Allele origin: germline.

Color Diagnostics, LLC DBA Color Health
Classification: Likely benign for Hereditary cancer-predisposing syndrome. Last evaluated: 2018-02-05. Review status: criteria provided, single submitter. Criteria: ACMG Guidelines, 2015. Collection method: clinical testing. Allele origin: germline.